The following is an entry in ClinVar:

ClinVar aggregate classification (germline): Uncertain significance (1 of 4 stars; one submission).

Conditions:
CREBBP-related disorder. Also called: CREBBP-related condition; CREBBP-related disorders.

Submission:

PreventionGenetics, part of Exact Sciences
Classification: Uncertain significance for CREBBP-related condition. Last evaluated: 2023-06-12. Review status: criteria provided, single submitter. Criteria: ACMG Guidelines, 2015. Collection method: clinical testing. Allele origin: germline.
Comment: The CREBBP c.1635G>C variant is predicted to result in the amino acid substitution p.Leu545Phe. To our knowledge, this variant has not been reported in the literature or in a large population database, indicating this variant is rare. At this time, the clinical significance of this variant is uncertain due to the absence of conclusive functional and genetic evidence.

NM_004380.3(CREBBP):c.1635G>C (p.Leu545Phe)

Gene: CREBBP (CREB binding lysine acetyltransferase; minus strand). Cytogenetic location: 16p13.3.
Variant type: single nucleotide variant.
Coding change: c.1635G>C on transcript NM_004380.3 (MANE Select); coding-DNA position 1635, G replaced by C.
Protein change: p.Leu545Phe; replaces leucine 545 with phenylalanine.
Molecular consequence: missense variant.
Genome position (GRCh38, 1-based): chr16:3,781,245, C>G on the plus strand (G>C on the coding strand, the complement: CREBBP is on the minus strand). VCF-style: chr16-3781245-C-G. GRCh37 (hg19) VCF-style: chr16-3831246-C-G.
Other names: c.1521G>C, p.Leu507Phe (NM_001079846.1); short protein forms L507F, L545F.
Identifiers: ClinVar variation 2632386 (VCV002632386.1), dbSNP rs2141247600, ClinGen allele CA394556854.
Genomic context (GRCh38, chr16:3,781,245, plus strand): 5'-ATCTGAAACAGGGTCTTACTTTGTGGCCCCCAGGGAAGTCGGAAGAGCTGATTCTGAAAT[C>G]AAGTTTGGGGGCTGCTGATCTGTTGTTATTCCTCCTGCTGGAATGTTCATTGGATTATTT-3'
Protein context (NP_004371.2, residues 535-555): GITTDQQPPN[Leu545Phe]ISESALPTSL